The following is an entry in ClinVar:

NM_001031710.3(KLHL7):c.-235G>T

Gene: KLHL7 (kelch like family member 7; plus strand). Cytogenetic location: 7p15.3.
Variant type: single nucleotide variant.
Coding change: c.-235G>T on transcript NM_001031710.3 (MANE Select); 235 bases upstream of the start codon, G replaced by T.
Molecular consequence: 5 prime UTR variant. On other transcripts: non-coding transcript variant (2).
Genome position (GRCh38, 1-based): chr7:23,105,792, G>T. VCF-style: chr7-23105792-G-T. GRCh37 (hg19) VCF-style: chr7-23145411-G-T.
Other names: c.-235G>T (NM_001172428.2).
Identifiers: ClinVar variation 359790 (VCV000359790.5), dbSNP rs75076913, ClinGen allele CA4186180.

ClinVar aggregate classification (germline): Benign (1 of 4 stars; one submission).

Conditions:
Retinitis pigmentosa (RP). Identifiers: Orphanet 791, MedGen C0035334, MeSH D012174, MONDO:0019200, OMIM 268000. Inheritance: Autosomal dominant, autosomal recessive and X linked inheritance.

Allele frequency attached by ClinVar (database versions not stated): gnomAD 0.00443 and 0.00573; gnomAD exomes 0.00749 and 0.01615; TOPMed 0.00763; ExAC 0.02000; 1000 Genomes Project 30x 0.02202; 1000 Genomes Project 0.02436.
gnomAD v4.1: 3,926 of 566,934 alleles (0.69%); highest among the groups gnomAD compares: East Asian, 8.8%; 156 homozygotes.

Submission:

Illumina Laboratory Services, Illumina
Classification: Benign for Retinitis pigmentosa. Last evaluated: 2018-01-13. Review status: criteria provided, single submitter. Criteria: ICSL Variant Classification Criteria 13 December 2019. Collection method: clinical testing. Allele origin: germline.
Comment: This variant was observed in the ICSL laboratory as part of a predisposition screen in an ostensibly healthy population. It had not been previously curated by ICSL or reported in the Human Gene Mutation Database (HGMD: prior to June 1st, 2018), and was therefore a candidate for classification through an automated scoring system. Utilizing variant allele frequency, disease prevalence and penetrance estimates, and inheritance mode, an automated score was calculated to assess if this variant is too frequent to cause the disease. Based on the score and internal cut-off values, a variant classified as benign is not then subjected to further curation. The score for this variant resulted in a classification of benign for this disease.